The following is an entry in ClinVar:

NM_007294.4(BRCA1):c.3005A>T (p.Asn1002Ile)

Gene: BRCA1 (BRCA1 DNA repair associated; minus strand). Cytogenetic location: 17q21.31.
Variant type: single nucleotide variant.
Coding change: c.3005A>T on transcript NM_007294.4 (MANE Select); coding-DNA position 3005, A replaced by T.
Protein change: p.Asn1002Ile; replaces asparagine 1002 with isoleucine.
Molecular consequence: missense variant. On other transcripts: intron variant (137).
Genome position (GRCh38, 1-based): chr17:43,092,526, T>A on the plus strand (A>T on the coding strand, the complement: BRCA1 is on the minus strand). VCF-style: chr17-43092526-T-A. GRCh37 (hg19) VCF-style: chr17-41244543-T-A.
Other names: c.3002A>T, p.Asn1001Ile (NM_001407635.1, NM_001407636.1, NM_001407637.1 and 22 more transcripts); c.3005A>T, p.Asn1002Ile (NM_001407639.1, NM_001407640.1, NM_001407641.1 and 30 more transcripts); c.2996A>T, p.Asn999Ile (NM_001407646.1, NM_001407647.1); c.2882A>T, p.Asn961Ile (NM_001407648.1, NM_001407664.1, NM_001407665.1 and 19 more transcripts); c.2879A>T, p.Asn960Ile (NM_001407649.1, NM_001407670.1, NM_001407671.1 and 11 more transcripts); c.2927A>T, p.Asn976Ile (NM_001407653.1, NM_001407654.1, NM_001407655.1 and 4 more transcripts); c.2924A>T, p.Asn975Ile (NM_001407659.1, NM_001407660.1, NM_001407661.1 and 1 more transcripts); c.2864A>T, p.Asn955Ile (NM_001407692.1, NM_001407694.1, NM_001407695.1 and 29 more transcripts); and 41 more; short protein forms N1002I, N955I, N874I, N890I, N891I, N914I, N975I, N706I.
Identifiers: ClinVar variation 462597 (VCV000462597.12), dbSNP rs1555588553, ClinGen allele CA10595987.

ClinVar aggregate classification (germline): Conflicting classifications of pathogenicity. Review status: criteria provided, conflicting classifications (1 of 4 stars). 2 submissions from 2 submitters: Uncertain significance (1); Likely benign (1). Last evaluated 2024-04-22.

Conditions:
Hereditary cancer-predisposing syndrome. Also called: Neoplastic Syndromes, Hereditary; Hereditary Cancer Syndrome; Hereditary neoplastic syndrome; Tumor predisposition. Identifiers: Orphanet 140162, MedGen C0027672, MeSH D009386, MONDO:0015356.
Hereditary breast ovarian cancer syndrome. Also called: Hereditary breast and ovarian cancer syndrome (HBOC); Hereditary breast and ovarian cancer syndrome; Breast and ovarian cancer; Hereditary breast and/or ovarian cancer syndrome; Hereditary breast and ovarian cancer; BRCA1- and BRCA2-Associated Hereditary Breast and Ovarian Cancer. Identifiers: Orphanet 145, MedGen C0677776, MeSH D061325, MONDO:0003582. Disease mechanism: loss of function.

Submissions (2):

Labcorp Genetics (formerly Invitae), Labcorp
Classification: Uncertain significance for Hereditary breast ovarian cancer syndrome. Last evaluated: 2024-04-22. Review status: criteria provided, single submitter. Criteria: Invitae Variant Classification Sherloc (09022015). Collection method: clinical testing. Allele origin: germline.
Comment: This sequence change replaces asparagine, which is neutral and polar, with isoleucine, which is neutral and non-polar, at codon 1002 of the BRCA1 protein (p.Asn1002Ile). This variant is not present in population databases (gnomAD no frequency). This variant has not been reported in the literature in individuals affected with BRCA1-related conditions. ClinVar contains an entry for this variant (Variation ID: 462597). Advanced modeling of protein sequence and biophysical properties (such as structural, functional, and spatial information, amino acid conservation, physicochemical variation, residue mobility, and thermodynamic stability) performed at Invitae indicates that this missense variant is not expected to disrupt BRCA1 protein function with a negative predictive value of 95%. In summary, the available evidence is currently insufficient to determine the role of this variant in disease. Therefore, it has been classified as a Variant of Uncertain Significance.

University of Washington Department of Laboratory Medicine, University of Washington
Classification: Likely benign for Hereditary cancer-predisposing syndrome. Last evaluated: 2023-03-23. Review status: criteria provided, single submitter. Criteria: Dines et al. (Genet Med. 2020). Collection method: curation. Allele origin: germline.
Comment: Missense variant in a coldspot region where missense variants are very unlikely to be pathogenic (PMID:31911673).

BRCA1 coldspot (exon 11 using historical exon numbering). Reclassification based on statistical prior probability